The following is an entry in ClinVar:

NM_001256789.3(CACNA1F):c.4481G>T (p.Cys1494Phe)

Gene: CACNA1F (calcium voltage-gated channel subunit alpha1 F; minus strand). Cytogenetic location: Xp11.23.
Variant type: single nucleotide variant.
Coding change: c.4481G>T on transcript NM_001256789.3 (MANE Select); coding-DNA position 4481, G replaced by T.
Protein change: p.Cys1494Phe; replaces cysteine 1494 with phenylalanine.
Molecular consequence: missense variant.
Genome position (GRCh38, 1-based): chrX:49,210,594, C>A on the plus strand (G>T on the coding strand, the complement: CACNA1F is on the minus strand). VCF-style: chrX-49210594-C-A. GRCh37 (hg19) VCF-style: chrX-49067054-C-A.
Other names: c.4514G>T (NM_005183.2, NM_005183.3); c.4319G>T, p.Cys1440Phe (NM_001256790.3); c.4514G>T, p.Cys1505Phe (NM_005183.4); short protein forms C1440F, C1494F, C1505F.
Identifiers: ClinVar variation 1015133 (VCV001015133.14), dbSNP rs782025685, ClinGen allele CA10410199.

ClinVar aggregate classification (germline): Uncertain significance. Review status: criteria provided, multiple submitters, no conflicts (2 of 4 stars). 5 submissions from 5 submitters: Uncertain significance (4). 1 of the submissions does not count toward it. Last evaluated 2025-10-29.

Conditions:
Retinal dystrophy. Also called: Inherited retinal dystrophy. Identifiers: Orphanet 71862, MedGen C0854723, MeSH D058499, MONDO:0019118, HP:0000556.
Inborn genetic diseases. Identifiers: MedGen C0950123, MeSH D030342.
CACNA1F-related disorder. Also called: CACNA1F-related condition.

Allele frequency attached by ClinVar (database versions not stated): ExAC below 0.00001; gnomAD exomes 0.00001; TOPMed 0.00002; gnomAD 0.00003.
gnomAD v4.1: 81 of 1,205,532 alleles (0.0067%); highest among the groups gnomAD compares: Non-Finnish European, 0.0087%; no homozygotes.

Submissions (5):

PreventionGenetics, part of Exact Sciences
Classification: Uncertain significance for CACNA1F-related condition. Last evaluated: 2025-10-29. Review status: criteria provided, single submitter. Criteria: ACMG Guidelines, 2015. Collection method: clinical testing. Allele origin: germline.
Comment: The CACNA1F c.4514G>T variant is predicted to result in the amino acid substitution p.Cys1505Phe. To our knowledge, this variant has not been reported in the literature. This variant is present in 0.0013% of alleles in individuals of European (Non-Finnish) descent in gnomAD, including 23 hemizygotes in gnomAD v4.1.0. Although we suspect that this variant may be benign, at this time, the clinical significance of this variant is uncertain due to the absence of conclusive functional and genetic evidence.

Labcorp Genetics (formerly Invitae), Labcorp
Classification: Uncertain significance. Last evaluated: 2025-02-06. Review status: criteria provided, single submitter. Criteria: Invitae Variant Classification Sherloc (09022015). Collection method: clinical testing. Allele origin: germline.
Comment: This sequence change replaces cysteine, which is neutral and slightly polar, with phenylalanine, which is neutral and non-polar, at codon 1505 of the CACNA1F protein (p.Cys1505Phe). The frequency data for this variant in the population databases is considered unreliable, as metrics indicate poor data quality at this position in the gnomAD database. This variant has not been reported in the literature in individuals affected with CACNA1F-related conditions. ClinVar contains an entry for this variant (Variation ID: 1015133). Invitae Evidence Modeling of protein sequence and biophysical properties (such as structural, functional, and spatial information, amino acid conservation, physicochemical variation, residue mobility, and thermodynamic stability) has been performed for this missense variant. However, the output from this modeling did not meet the statistical confidence thresholds required to predict the impact of this variant on CACNA1F protein function. In summary, the available evidence is currently insufficient to determine the role of this variant in disease. Therefore, it has been classified as a Variant of Uncertain Significance.

Blueprint Genetics
Classification: Uncertain significance. Last evaluated: 2024-05-30. Review status: criteria provided, single submitter. Criteria: ACMG Guidelines, 2015. Collection method: clinical testing. Allele origin: germline.

Ambry Genetics
Classification: Uncertain significance for Inborn genetic diseases. Last evaluated: 2023-02-28. Review status: criteria provided, single submitter. Criteria: Ambry Variant Classification Scheme 2023. Collection method: clinical testing. Allele origin: germline.

Institute of Human Genetics, Univ. Regensburg, Univ. Regensburg
Classification: Uncertain significance for Retinal dystrophy. Last evaluated: 2020-01-01. Review status: no assertion criteria provided. Criteria: ACMG Guidelines, 2015. Collection method: clinical testing. Allele origin: germline. Affected: yes. Not counted in ClinVar's aggregate classification.